The following is an entry in ClinVar:

ClinVar aggregate classification (germline): Likely benign. Review status: criteria provided, multiple submitters, no conflicts (2 of 4 stars). 5 submissions from 5 submitters: Likely benign (4). 1 of the submissions does not count toward it. Last evaluated 2025-12-01.

Conditions:
Usher syndrome type 1 (USH1). Also called: RETINITIS PIGMENTOSA AND CONGENITAL DEAFNESS. Identifiers: Orphanet 231169, Orphanet 886, MedGen C1568247, MONDO:0010168, OMIM 276900.
CDH23-related disorder. Also called: CDH23-related disorders; CDH23-related condition.

Allele frequency attached by ClinVar (database versions not stated): gnomAD 0.00003 and 0.00002; ExAC 0.00012; TOPMed 0.00013; ESP Exome Variant Server 0.00024; 1000 Genomes Project 30x 0.00016.
gnomAD v4.1: 119 of 1,612,480 alleles (0.0074%); highest among the groups gnomAD compares: Admixed American, 0.045%; no homozygotes.

Submissions (5):

Labcorp Genetics (formerly Invitae), Labcorp
Classification: Likely benign. Last evaluated: 2025-12-01. Review status: criteria provided, single submitter. Criteria: Invitae Variant Classification Sherloc (09022015). Collection method: clinical testing. Allele origin: germline.

PreventionGenetics, part of Exact Sciences
Classification: Likely benign for CDH23-related condition. Last evaluated: 2025-03-17. Review status: criteria provided, single submitter. Criteria: ACMG Guidelines, 2015. Collection method: clinical testing. Allele origin: germline.
Comment: This variant is classified as likely benign based on ACMG/AMP sequence variant interpretation guidelines (Richards et al. 2015 PMID: 25741868, with internal and published modifications).

Blueprint Genetics
Classification: Likely benign. Last evaluated: 2022-10-07. Review status: criteria provided, single submitter. Criteria: ACMG Guidelines, 2015. Collection method: clinical testing. Allele origin: germline.

GeneDx
Classification: Likely benign. Last evaluated: 2020-10-07. Review status: criteria provided, single submitter. Criteria: GeneDx Variant Classification Process June 2021. Collection method: clinical testing. Allele origin: germline. Affected: yes.

Natera, Inc.
Classification: Uncertain significance for Usher syndrome type 1. Last evaluated: 2020-04-15. Review status: no assertion criteria provided. Collection method: clinical testing. Allele origin: germline. Not counted in ClinVar's aggregate classification.

NM_022124.6(CDH23):c.4146C>T (p.Gly1382=)

Genes: C10orf105 (chromosome 10 open reading frame 105; minus strand), CDH23 (cadherin related 23; plus strand). Cytogenetic location: 10q22.1.
Variant type: single nucleotide variant.
Coding change: c.4146C>T on transcript NM_022124.6 (MANE Select); coding-DNA position 4146, C replaced by T.
Protein change: p.Gly1382=; no amino-acid change (glycine 1382 retained).
Molecular consequence: synonymous variant. On other transcripts: intron variant (1).
Genome position (GRCh38, 1-based): chr10:71,734,281, C>T. VCF-style: chr10-71734281-C-T. GRCh37 (hg19) VCF-style: chr10-73494038-C-T.
Other names: c.-6+3447G>A (NM_001168390.2).
Identifiers: ClinVar variation 725154 (VCV000725154.16), dbSNP rs201008425, ClinGen allele CA5544929.